The following is an entry in ClinVar:

NM_018075.5(ANO10):c.134dup (p.Asp45fs)

Gene: ANO10 (anoctamin 10; minus strand). Cytogenetic location: 3p21.33.
Variant type: Duplication.
Coding change: c.134dup on transcript NM_018075.5 (MANE Select); coding-DNA position 134, one base duplicated (A; older notation c.134dupA).
Protein change: p.Asp45fs; shifts the reading frame from aspartic acid 45.
Molecular consequence: frameshift variant.
Genome position (GRCh38, 1-based): chr3:43,605,719, T duplicated on the plus strand (A on the coding strand, the reverse complement: ANO10 is on the minus strand). VCF-style (leftmost placement, unchanged base first): chr3-43605718-A-AT. GRCh37 (hg19) VCF-style: chr3-43647210-A-AT.
Other names: c.134dup, p.Asp45fs (NM_001204831.3, NM_001204832.3, NM_001204833.3 and 8 more transcripts); short protein forms D45fs.
Identifiers: ClinVar variation 5014503 (VCV005014503.1).

ClinVar aggregate classification (germline): Pathogenic (1 of 4 stars; one submission).

Conditions:
Autosomal recessive spinocerebellar ataxia 10. Identifiers: Orphanet 284289, MedGen C3150998, MONDO:0013392, OMIM 613728.

Submission:

Myriad Genetics, Inc.
Classification: Pathogenic for Autosomal recessive spinocerebellar ataxia 10. Last evaluated: 2025-05-23. Review status: criteria provided, single submitter. Criteria: Myriad Autosomal Dominant, Autosomal Recessive and X-Linked Classification Criteria (2023). Collection method: clinical testing. Allele origin: unknown.
Comment: NM_018075.3(ANO10):c.134dupA(D45Efs*9) is expected to be pathogenic in the context of spinocerebellar ataxia, ANO10-related. This variant is predicted to lead to an abnormal or absent protein product due to the creation of a premature termination codon in ANO10, a gene where loss-of-function variants are known to be pathogenic. Please note: this variant was assessed in the context of healthy population screening.